The following is an entry in ClinVar:

NM_024422.6(DSC2):c.2245A>C (p.Lys749Gln)

Gene: DSC2 (desmocollin 2; minus strand). Cytogenetic location: 18q12.1.
Variant type: single nucleotide variant.
Coding change: c.2245A>C on transcript NM_024422.6 (MANE Select); coding-DNA position 2245, A replaced by C.
Protein change: p.Lys749Gln; replaces lysine 749 with glutamine.
Molecular consequence: missense variant.
Genome position (GRCh38, 1-based): chr18:31,070,731, T>G on the plus strand (A>C on the coding strand, the complement: DSC2 is on the minus strand). VCF-style: chr18-31070731-T-G. GRCh37 (hg19) VCF-style: chr18-28650697-T-G.
Other names: p.K749Q:AAA>CAA; c.2245A>C, p.Lys749Gln (NM_004949.5); short protein forms K749Q.
Identifiers: ClinVar variation 199771 (VCV000199771.28), dbSNP rs765067237, ClinGen allele CA022646.

ClinVar aggregate classification (germline): Conflicting classifications of pathogenicity. Review status: criteria provided, conflicting classifications (1 of 4 stars). 9 submissions from 9 submitters: Uncertain significance (6); Benign (1). 2 of the submissions do not count toward it. Last evaluated 2025-10-13.

Conditions:
Cardiovascular phenotype. Identifiers: MedGen CN230736.
Familial isolated arrhythmogenic right ventricular dysplasia. Identifiers: Orphanet 217656, MedGen C4274968, MONDO:0016342.
Cardiomyopathy (CMYO). Also called: Cardiomyopathies. Identifiers: Orphanet 167848, MedGen C0878544, MONDO:0004994, HP:0001638. Inheritance: Various modes of inheritance.
Arrhythmogenic right ventricular dysplasia 11. Also called: Arrhythmogenic right ventricular dysplasia 11 with mild palmoplantar keratoderma and woolly hair; Arrhythmogenic Right Ventricular Dysplasia/Cardiomyopathy11; ARRHYTHMOGENIC RIGHT VENTRICULAR DYSPLASIA, FAMILIAL, 11. Identifiers: MedGen C1864850, MONDO:0012506, OMIM 610476.

Allele frequency attached by ClinVar (database versions not stated): TOPMed 0.00013; ExAC 0.00002; gnomAD 0.00006 and 0.00005; gnomAD exomes 0.00002.
gnomAD v4.1: 34 of 1,613,712 alleles (0.0021%); highest among the groups gnomAD compares: African/African-American, 0.019%; no homozygotes.

Submissions (9):

Women's Health and Genetics/Laboratory Corporation of America, LabCorp
Classification: Uncertain significance. Last evaluated: 2025-10-13. Review status: criteria provided, single submitter. Criteria: LabCorp Variant Classification Summary - May 2015. Collection method: clinical testing. Allele origin: germline.

Labcorp Genetics (formerly Invitae), Labcorp
Classification: Uncertain significance for Arrhythmogenic right ventricular dysplasia 11. Last evaluated: 2025-01-11. Review status: criteria provided, single submitter. Criteria: Invitae Variant Classification Sherloc (09022015). Collection method: clinical testing. Allele origin: germline.
Comment: This sequence change replaces lysine, which is basic and polar, with glutamine, which is neutral and polar, at codon 749 of the DSC2 protein (p.Lys749Gln). This variant is present in population databases (rs765067237, gnomAD 0.01%). This variant has not been reported in the literature in individuals affected with DSC2-related conditions. ClinVar contains an entry for this variant (Variation ID: 199771). Invitae Evidence Modeling of protein sequence and biophysical properties (such as structural, functional, and spatial information, amino acid conservation, physicochemical variation, residue mobility, and thermodynamic stability) indicates that this missense variant is not expected to disrupt DSC2 protein function with a negative predictive value of 80%. In summary, the available evidence is currently insufficient to determine the role of this variant in disease. Therefore, it has been classified as a Variant of Uncertain Significance.

All of Us Research Program, National Institutes of Health
Classification: Uncertain significance for Familial isolated arrhythmogenic right ventricular dysplasia. Last evaluated: 2024-09-23. Review status: criteria provided, single submitter. Criteria: ACMG Guidelines, 2015. Collection method: clinical testing. Allele origin: germline. Inheritance: Autosomal dominant inheritance. Observed: 14 variant alleles, 14 heterozygotes.
Comment: This missense variant replaces lysine with glutamine at codon 749 of the DSC2 protein. Computational prediction suggests that this variant may not impact protein structure and function (internally defined REVEL score threshold <= 0.5, PMID: 27666373). Splice site prediction tools suggest that this variant may not impact RNA splicing. To our knowledge, functional studies have not been performed for this variant. This variant has not been reported in individuals affected with cardiovascular disorders in the literature. This variant has been identified in 5/251272 chromosomes in the general population by the Genome Aggregation Database (gnomAD). The available evidence is insufficient to determine the role of this variant in disease conclusively. Therefore, this variant is classified as a Variant of Uncertain Significance.

This study involves interpretation of variants in research participants for the purpose of population health screening. Participant phenotype was not available at the time of variant classification. Additional details can be found in publication PMID: 35346344, PMCID: PMC8962531

Ambry Genetics
Classification: Benign for Cardiovascular phenotype. Last evaluated: 2024-08-19. Review status: criteria provided, single submitter. Criteria: Ambry Variant Classification Scheme 2023. Collection method: clinical testing. Allele origin: germline.

Color Diagnostics, LLC DBA Color Health
Classification: Uncertain significance for Cardiomyopathy. Last evaluated: 2024-05-23. Review status: criteria provided, single submitter. Criteria: ACMG Guidelines, 2015. Collection method: clinical testing. Allele origin: germline.
Comment: This missense variant replaces lysine with glutamine at codon 749 of the DSC2 protein. Computational prediction suggests that this variant may not impact protein structure and function (internally defined REVEL score threshold <= 0.5, PMID: 27666373). To our knowledge, functional studies have not been reported for this variant. This variant has not been reported in individuals affected with DSC2-related disorders in the literature. This variant has been identified in 5/251272 chromosomes in the general population by the Genome Aggregation Database (gnomAD). The available evidence is insufficient to determine the role of this variant in disease conclusively. Therefore, this variant is classified as a Variant of Uncertain Significance.

GeneDx
Classification: Uncertain significance. Last evaluated: 2022-05-20. Review status: criteria provided, single submitter. Criteria: GeneDx Variant Classification Process June 2021. Collection method: clinical testing. Allele origin: germline. Affected: yes.
Comment: Not observed at significant frequency in large population cohorts (gnomAD); In silico analysis supports that this missense variant does not alter protein structure/function; In-silico analysis is inconclusive as to whether the variant alters gene splicing; in the absence of RNA/functional studies, the actual effect of this sequence change is unknown; Has not been previously published as pathogenic or benign to our knowledge

Fulgent Genetics
Classification: Uncertain significance for Arrhythmogenic right ventricular dysplasia 11. Last evaluated: 2021-08-19. Review status: criteria provided, single submitter. Criteria: ACMG Guidelines, 2015. Collection method: clinical testing. Allele origin: unknown.

Clinical Genetics DNA and cytogenetics Diagnostics Lab, Erasmus MC, Erasmus Medical Center
Classification: Uncertain significance. Review status: no assertion criteria provided. Collection method: clinical testing. Allele origin: germline. Affected: yes. Study: VKGL Data-share Consensus. Not counted in ClinVar's aggregate classification.

Clinical Genetics, Academic Medical Center
Classification: Uncertain significance. Review status: no assertion criteria provided. Collection method: clinical testing. Allele origin: germline. Affected: yes. Study: VKGL Data-share Consensus. Not counted in ClinVar's aggregate classification.

Literature cited by the submitters: PubMed 30122538 (cited by Ambry Genetics).